The following is an entry in ClinVar:

ClinVar aggregate classification (germline): Uncertain significance (1 of 4 stars; one submission).

gnomAD v4.1: 1 of 1,607,486 alleles (0.000062%); highest among the groups gnomAD compares: African/African-American, 0.0013%; no homozygotes.

Submission:

Ambry Genetics
Classification: Uncertain significance. Last evaluated: 2025-05-15. Review status: criteria provided, single submitter. Criteria: Ambry Variant Classification Scheme 2023. Collection method: clinical testing. Allele origin: germline.
Comment: The p.A259V variant (also known as c.776C>T), located in coding exon 6 of the GEN1 gene, results from a C to T substitution at nucleotide position 776. The alanine at codon 259 is replaced by valine, an amino acid with similar properties. This amino acid position is conserved. In addition, this alteration is predicted to be tolerated by in silico analysis. Based on the available evidence, the clinical significance of this variant remains unclear.

NM_001130009.3(GEN1):c.776C>T (p.Ala259Val)

Gene: GEN1 (GEN1 Holliday junction 5' flap endonuclease; plus strand). Cytogenetic location: 2p24.2.
Variant type: single nucleotide variant.
Coding change: c.776C>T on transcript NM_001130009.3 (MANE Select); coding-DNA position 776, C replaced by T.
Protein change: p.Ala259Val; replaces alanine 259 with valine.
Molecular consequence: missense variant.
Genome position (GRCh38, 1-based): chr2:17,771,261, C>T. VCF-style: chr2-17771261-C-T. GRCh37 (hg19) VCF-style: chr2-17952528-C-T.
Other names: c.776C>T, p.Ala259Val (NM_182625.5); short protein forms A259V.
Identifiers: ClinVar variation 4029292 (VCV004029292.1).